The following is an entry in ClinVar:

ClinVar aggregate classification (germline): Uncertain significance (1 of 4 stars; one submission).

Conditions:
Catecholaminergic polymorphic ventricular tachycardia 1. Also called: RYR2-Related Catecholaminergic Polymorphic Ventricular Tachycardia; VENTRICULAR TACHYCARDIA, CATECHOLAMINERGIC POLYMORPHIC, 1, WITH OR WITHOUT ATRIAL DYSFUNCTION AND/OR DILATED CARDIOMYOPATHY; VENTRICULAR TACHYCARDIA, STRESS-INDUCED POLYMORPHIC 1. Identifiers: Orphanet 3286, MedGen C1631597, MONDO:0011484, OMIM 604772.

Submission:

Labcorp Genetics (formerly Invitae), Labcorp
Classification: Uncertain significance for Catecholaminergic polymorphic ventricular tachycardia 1. Last evaluated: 2020-01-31. Review status: criteria provided, single submitter. Criteria: Invitae Variant Classification Sherloc (09022015). Collection method: clinical testing. Allele origin: germline.
Comment: In summary, the available evidence is currently insufficient to determine the role of this variant in disease. Therefore, it has been classified as a Variant of Uncertain Significance. Algorithms developed to predict the effect of sequence changes on RNA splicing suggest that this variant may create or strengthen a splice site, but this prediction has not been confirmed by published transcriptional studies. Algorithms developed to predict the effect of missense changes on protein structure and function are either unavailable or do not agree on the potential impact of this missense change (SIFT: "Deleterious"; PolyPhen-2: "Benign"; Align-GVGD: "Class C0"). This variant has not been reported in the literature in individuals with RYR2-related conditions. This variant is not present in population databases (ExAC no frequency). This sequence change replaces leucine with arginine at codon 2372 of the RYR2 protein (p.Leu2372Arg). The leucine residue is highly conserved and there is a moderate physicochemical difference between leucine and arginine.

NM_001035.3(RYR2):c.7115T>G (p.Leu2372Arg)

Gene: RYR2 (ryanodine receptor 2; plus strand). Cytogenetic location: 1q43.
Variant type: single nucleotide variant.
Coding change: c.7115T>G on transcript NM_001035.3 (MANE Select); coding-DNA position 7115, T replaced by G.
Protein change: p.Leu2372Arg; replaces leucine 2372 with arginine.
Molecular consequence: missense variant.
Genome position (GRCh38, 1-based): chr1:237,639,201, T>G. VCF-style: chr1-237639201-T-G. GRCh37 (hg19) VCF-style: chr1-237802501-T-G.
Other names: short protein forms L2372R.
Identifiers: ClinVar variation 1020655 (VCV001020655.48), dbSNP rs1245506727, ClinGen allele CA345396113.